The following is an entry in ClinVar:

NM_032119.4(ADGRV1):c.17075A>G (p.Tyr5692Cys)

Gene: ADGRV1 (adhesion G protein-coupled receptor V1; plus strand). Cytogenetic location: 5q14.3.
Variant type: single nucleotide variant.
Coding change: c.17075A>G on transcript NM_032119.4 (MANE Select); coding-DNA position 17075, A replaced by G.
Protein change: p.Tyr5692Cys; replaces tyrosine 5692 with cysteine.
Molecular consequence: missense variant. On other transcripts: non-coding transcript variant (1).
Genome position (GRCh38, 1-based): chr5:90,848,692, A>G. VCF-style: chr5-90848692-A-G. GRCh37 (hg19) VCF-style: chr5-90144509-A-G.
Other names: USH2C; short protein forms Y5692C.
Identifiers: ClinVar variation 905114 (VCV000905114.18), dbSNP rs746621216, ClinGen allele CA3342287.

ClinVar aggregate classification (germline): Conflicting classifications of pathogenicity. Review status: criteria provided, conflicting classifications (1 of 4 stars). 6 submissions from 6 submitters: Uncertain significance (5); Likely benign (1). Last evaluated 2026-01-28.

Conditions:
Usher syndrome type 2C. Also called: USHER SYNDROME, TYPE IIC; Usher syndrome, type 2B. Identifiers: Orphanet 231178, Orphanet 886, MedGen C2931213, MONDO:0011558, OMIM 605472.
Inborn genetic diseases. Identifiers: MedGen C0950123, MeSH D030342.

Allele frequency attached by ClinVar (database versions not stated): TOPMed 0.00005; gnomAD exomes 0.00010 and 0.00005; gnomAD 0.00006 and 0.00005; ExAC 0.00008.
gnomAD v4.1: 80 of 1,581,444 alleles (0.0051%); highest among the groups gnomAD compares: African/African-American, 0.0041%; no homozygotes.

Submissions (6):

Labcorp Genetics (formerly Invitae), Labcorp
Classification: Likely benign. Last evaluated: 2026-01-28. Review status: criteria provided, single submitter. Criteria: Invitae Variant Classification Sherloc (09022015). Collection method: clinical testing. Allele origin: germline.

Laboratory of Prof. Karen Avraham, Tel Aviv University
Classification: Uncertain significance for Usher syndrome type 2C. Last evaluated: 2024-12-15. Review status: criteria provided, single submitter. Criteria: ACMG Guidelines, 2015. Collection method: research. Allele origin: germline. Affected: yes. Observed: 1 variant allele.
Comment: The ADGRV1 c.17075A>G:p.(Tyr5692Cys) variant, predicted deleterioos, is very rare in most populations but more prevalent among Ashkenazi Jews, suggesting a founder effect. ;

Blueprint Genetics
Classification: Uncertain significance. Last evaluated: 2024-08-30. Review status: criteria provided, single submitter. Criteria: ACMG Guidelines, 2015. Collection method: clinical testing. Allele origin: germline.

GeneDx
Classification: Uncertain significance. Last evaluated: 2023-12-11. Review status: criteria provided, single submitter. Criteria: GeneDx Variant Classification Process June 2021. Collection method: clinical testing. Allele origin: germline. Affected: yes.
Comment: In silico analysis supports that this missense variant has a deleterious effect on protein structure/function; Has not been previously published as pathogenic or benign to our knowledge

Ambry Genetics
Classification: Uncertain significance for Inborn genetic diseases. Last evaluated: 2022-11-08. Review status: criteria provided, single submitter. Criteria: Ambry Variant Classification Scheme 2023. Collection method: clinical testing. Allele origin: germline.

Illumina Laboratory Services, Illumina
Classification: Uncertain significance for Usher syndrome type 2C. Last evaluated: 2018-01-12. Review status: criteria provided, single submitter. Criteria: ICSL Variant Classification Criteria 13 December 2019. Collection method: clinical testing. Allele origin: germline.